The following is an entry in ClinVar:

ClinVar aggregate classification (germline): Uncertain significance. Review status: criteria provided, multiple submitters, no conflicts (2 of 4 stars). 2 submissions from 2 submitters: Uncertain significance (2). Last evaluated 2026-03-28.

Conditions:
Cerebral cavernous malformation (CCM). Also called: Cerebral cavernous hemangioma (type); CAVERNOUS ANGIOMA, FAMILIAL; CAVERNOUS ANGIOMATOUS MALFORMATIONS; CEREBRAL CAPILLARY MALFORMATIONS; Cerebral cavernous malformations; Cavernous Hemangioma of Brain. Identifiers: Orphanet 221061, MedGen C2919945, MONDO:0000820, OMIM 116860, HP:0033522.

Submissions (2):

GeneDx
Classification: Uncertain significance. Last evaluated: 2026-03-28. Review status: criteria provided, single submitter. Criteria: GeneDx Variant Classification Process June 2021. Collection method: clinical testing. Allele origin: germline.
Comment: Not observed at significant frequency in large population cohorts (gnomAD); In silico analysis supports that this missense variant has a deleterious effect on protein structure/function; Has not been previously published as pathogenic or benign to our knowledge

Labcorp Genetics (formerly Invitae), Labcorp
Classification: Uncertain significance for Cerebral cavernous malformation. Last evaluated: 2021-09-24. Review status: criteria provided, single submitter. Criteria: Invitae Variant Classification Sherloc (09022015). Collection method: clinical testing. Allele origin: germline.

NM_194454.3(KRIT1):c.443A>G (p.His148Arg)

Gene: KRIT1 (KRIT1 ankyrin repeat containing; minus strand). Cytogenetic location: 7q21.2.
Variant type: single nucleotide variant.
Coding change: c.443A>G on transcript NM_194454.3 (MANE Select); coding-DNA position 443, A replaced by G.
Protein change: p.His148Arg; replaces histidine 148 with arginine.
Molecular consequence: missense variant. On other transcripts: 5 prime UTR variant (1).
Genome position (GRCh38, 1-based): chr7:92,236,455, T>C on the plus strand (A>G on the coding strand, the complement: KRIT1 is on the minus strand). VCF-style: chr7-92236455-T-C. GRCh37 (hg19) VCF-style: chr7-91865769-T-C.
Other names: c.443A>G, p.His148Arg (NM_001350682.1, NM_001350693.1, NM_001350694.1 and 29 more transcripts); c.-141A>G (NM_001350671.1); short protein forms H148R.
Identifiers: ClinVar variation 1357034 (VCV001357034.4), dbSNP rs2131675658, ClinGen allele CA368162173.
Genomic context (GRCh38, chr7:92,236,455, plus strand): 5'-TCTAACGGCATTTCTTACTTATCCAAGGCTATTAACATCCTTGCTGTAAGTGTAGCAAAA[T>C]GAGTACTGGATTCACTACAGACTCGCATAATATCTTGTAAGCAGTAAAAAATTGGGCATC-3'
Protein context (NP_919436.1, residues 138-158): IMRVCSESST[His148Arg]FATLTARMLI